The following is an entry in ClinVar:

NM_001148.6(ANK2):c.11760_11761delinsTT (p.Gln3921Ter)

Gene: ANK2 (ankyrin 2; plus strand). Cytogenetic location: 4q26.
Variant type: Indel.
Coding change: c.11760_11761delinsTT on transcript NM_001148.6 (MANE Select); coding-DNA positions 11760 to 11761, GC replaced by TT.
Protein change: p.Gln3921Ter; replaces glutamine 3921 with a stop codon.
Molecular consequence: nonsense. On other transcripts: intron variant (9).
Genome position (GRCh38, 1-based): chr4:113,373,350-113,373,351, GC replaced by TT. VCF-style: chr4-113373350-GC-TT. GRCh37 (hg19) VCF-style: chr4-114294506-GC-TT.
Other names: c.5478_5479delinsTT, p.Gln1827Ter (NM_001127493.3); c.5517_5518delinsTT, p.Gln1840Ter (NM_001354225.2); c.5499_5500delinsTT, p.Gln1834Ter (NM_001354228.2); c.5484_5485delinsTT, p.Gln1829Ter (NM_001354230.2); c.5640_5641delinsTT, p.Gln1881Ter (NM_001354231.2); c.5634_5635delinsTT, p.Gln1879Ter (NM_001354232.2); c.5595_5596delinsTT, p.Gln1866Ter (NM_001354235.2); c.5403_5404delinsTT, p.Gln1802Ter (NM_001354236.2); and 50 more; short protein forms Q1012*, Q1019*, Q1675*, Q1758*, Q1761*, Q1763*, Q1765*, Q1772*.
Identifiers: ClinVar variation 2565317 (VCV002565317.3), dbSNP rs2508495239, ClinGen allele CA2580616760.
Genomic context (GRCh38, chr4:113,373,350, plus strand): 5'-TAGGAAAATCATTAGGCGGTATGTATCCTCTGAAGGCACAGAGAAAGAAGAGATTATGGT[GC>TT]AGGGAATGCCACAGGAACCTGTCAACATCGAGGAAGGGGATGGCTATTCCAAAGTTATAA-3'

ClinVar aggregate classification (germline): Pathogenic. Review status: criteria provided, multiple submitters, no conflicts (2 of 4 stars). 2 submissions from 2 submitters: Pathogenic (2). Last evaluated 2025-11-18.

Conditions:
Cardiovascular phenotype. Identifiers: MedGen CN230736.
Long QT syndrome (LQTS). Identifiers: MedGen C0023976, MeSH D008133, MONDO:0002442. Disease mechanism: loss of function. Inheritance: Various modes of inheritance.

Submissions (2):

Labcorp Genetics (formerly Invitae), Labcorp
Classification: Pathogenic for Long QT syndrome. Last evaluated: 2025-11-18. Review status: criteria provided, single submitter. Criteria: Invitae Variant Classification Sherloc (09022015). Collection method: clinical testing. Allele origin: germline.
Comment: This sequence change creates a premature translational stop signal (p.Gln3921*) in the ANK2 gene. It is expected to result in an absent or disrupted protein product. Loss-of-function variants in ANK2 are known to be pathogenic (PMID: 37195288). Information on the frequency of this variant in the gnomAD database is not available, as this variant may be reported differently in the database. This premature translational stop signal has been observed in individual(s) with clinical features of ANK2-related conditions (PMID: 37506195). ClinVar contains an entry for this variant (Variation ID: 2565317). For these reasons, this variant has been classified as Pathogenic.

Ambry Genetics
Classification: Pathogenic for Cardiovascular phenotype. Last evaluated: 2023-06-01. Review status: criteria provided, single submitter. Criteria: Ambry Variant Classification Scheme 2023. Collection method: clinical testing. Allele origin: germline.
Comment: The c.11760_11761delGCinsTT pathogenic mutation, located in coding exon 45 of the ANK2 gene, results from an in-frame deletion of GC and insertion of TT at nucleotide positions 11760 to 11761. This changes the amino acid from a glutamine to a stop codon within coding exon 45 (p.Q3921*). This variant has been detected in an individual from a neurodevelopmental disorders cohort as well as in a control individual; however, details were limited (Stessman HA et al. Nat Genet, 2017 Apr;49:515-526). This variant is considered to be rare based on population cohorts in the Genome Aggregation Database (gnomAD). This alteration is expected to result in loss of function by premature protein truncation or nonsense-mediated mRNA decay. Based on the supporting evidence, this variant is expected to be causative of ANK2-related neurodevelopmental disorder. However, the evidence for the gene-disease relationship is limited for cardiac disease; therefore, the clinical significance of this alteration for ANK2-related arrhythmia is unclear.

Literature cited by the submitters: PubMed 37195288 (cited by Labcorp Genetics (formerly Invitae), Labcorp); PubMed 37506195 (cited by Labcorp Genetics (formerly Invitae), Labcorp); PubMed 28191889 (cited by Ambry Genetics).